The following is an entry in ClinVar:

ClinVar aggregate classification (germline): Uncertain significance (1 of 4 stars; one submission).

Conditions:
Dilated cardiomyopathy 1HH (CMD1HH). Identifiers: Orphanet 154, MedGen C3151293, MONDO:0013479, OMIM 613881.
Myofibrillar myopathy 6. Identifiers: Orphanet 199340, MedGen C2751831, MONDO:0013061, OMIM 612954.

Allele frequency attached by ClinVar (database versions not stated): gnomAD exomes below 0.00001.
gnomAD v4.1: 1 of 1,614,132 alleles (0.000062%); highest among the groups gnomAD compares: East Asian, 0.0022%; no homozygotes.

Submission:

Labcorp Genetics (formerly Invitae), Labcorp
Classification: Uncertain significance for Dilated cardiomyopathy 1HH; Myofibrillar myopathy 6. Last evaluated: 2023-02-06. Review status: criteria provided, single submitter. Criteria: Invitae Variant Classification Sherloc (09022015). Collection method: clinical testing. Allele origin: germline.
Comment: Advanced modeling of protein sequence and biophysical properties (such as structural, functional, and spatial information, amino acid conservation, physicochemical variation, residue mobility, and thermodynamic stability) performed at Invitae indicates that this missense variant is not expected to disrupt BAG3 protein function. This variant has not been reported in the literature in individuals affected with BAG3-related conditions. In summary, the available evidence is currently insufficient to determine the role of this variant in disease. Therefore, it has been classified as a Variant of Uncertain Significance. This variant is present in population databases (no rsID available, gnomAD 0.006%). This sequence change replaces proline, which is neutral and non-polar, with serine, which is neutral and polar, at codon 416 of the BAG3 protein (p.Pro416Ser).

NM_004281.4(BAG3):c.1246C>T (p.Pro416Ser)

Gene: BAG3 (BAG cochaperone 3; plus strand). Cytogenetic location: 10q26.11.
Variant type: single nucleotide variant.
Coding change: c.1246C>T on transcript NM_004281.4 (MANE Select); coding-DNA position 1246, C replaced by T.
Protein change: p.Pro416Ser; replaces proline 416 with serine.
Molecular consequence: missense variant.
Genome position (GRCh38, 1-based): chr10:119,676,800, C>T. VCF-style: chr10-119676800-C-T. GRCh37 (hg19) VCF-style: chr10-121436312-C-T.
Other names: short protein forms P416S.
Identifiers: ClinVar variation 2942995 (VCV002942995.3), dbSNP rs758309477, ClinGen allele CA378296908.
Genomic context (GRCh38, chr10:119,676,800, plus strand): 5'-GCAGCCCCCAGCACTGCCCCTGCAGAAGCTACACCTCCAAAACCAGGAGAAGCCGAGGCT[C>T]CCCCAAAACATCCAGGAGTGCTGAAAGTGGAAGCCATCCTGGAGAAGGTACAGGGGCTGG-3'
Protein context (NP_004272.2, residues 406-426): TPPKPGEAEA[Pro416Ser]PKHPGVLKVE